The following is an entry in ClinVar:

ClinVar aggregate classification (germline): Pathogenic/Likely pathogenic. Review status: criteria provided, multiple submitters, no conflicts (2 of 4 stars). 2 submissions from 2 submitters: Pathogenic (1); Likely pathogenic (1). Last evaluated 2025-09-26.

Conditions:
Niemann-Pick disease, type C2 (NPC2). Identifiers: Orphanet 646, MedGen C1843366, MONDO:0011873, OMIM 607625.

gnomAD v4.1: 11 of 1,613,976 alleles (0.00068%); highest among the groups gnomAD compares: African/African-American, 0.015%; no homozygotes.

Submissions (2):

Myriad Genetics, Inc.
Classification: Pathogenic for Niemann-Pick disease, type C2. Last evaluated: 2025-09-26. Review status: criteria provided, single submitter. Criteria: Myriad Autosomal Dominant, Autosomal Recessive and X-Linked Classification Criteria (2023). Collection method: clinical testing. Allele origin: unknown.
Comment: NM_006432.3(NPC2):c.202A>T(K68*) is expected to be pathogenic in the context of Niemann-Pick disease type C2. This variant is predicted to lead to an abnormal or absent protein product due to the creation of a premature termination codon in NPC2, a gene where loss-of-function variants are known to be pathogenic. Please note: this variant was assessed in the context of healthy population screening.

Fulgent Genetics
Classification: Likely pathogenic for Niemann-Pick disease, type C2. Last evaluated: 2024-03-04. Review status: criteria provided, single submitter. Criteria: ACMG Guidelines, 2015. Collection method: clinical testing. Allele origin: germline.

NM_006432.5(NPC2):c.202A>T (p.Lys68Ter)

Gene: NPC2 (NPC intracellular cholesterol transporter 2; minus strand). Cytogenetic location: 14q24.3.
Variant type: single nucleotide variant.
Coding change: c.202A>T on transcript NM_006432.5 (MANE Select); coding-DNA position 202, A replaced by T.
Protein change: p.Lys68Ter; replaces lysine 68 with a stop codon.
Molecular consequence: nonsense.
Genome position (GRCh38, 1-based): chr14:74,484,576, T>A on the plus strand (A>T on the coding strand, the complement: NPC2 is on the minus strand). VCF-style: chr14-74484576-T-A. GRCh37 (hg19) VCF-style: chr14-74951279-T-A.
Other names: c.202A>T, p.Lys68Ter (NM_001363688.1, NM_001375440.1); short protein forms K68*.
Identifiers: ClinVar variation 3576749 (VCV003576749.2).